The following is an entry in ClinVar:

NM_182961.4(SYNE1):c.21440T>C (p.Met7147Thr)

Gene: SYNE1 (spectrin repeat containing nuclear envelope protein 1; minus strand). Cytogenetic location: 6q25.2.
Variant type: single nucleotide variant.
Coding change: c.21440T>C on transcript NM_182961.4 (MANE Select); coding-DNA position 21440, T replaced by C.
Protein change: p.Met7147Thr; replaces methionine 7147 with threonine.
Molecular consequence: missense variant.
Genome position (GRCh38, 1-based): chr6:152,224,576, A>G on the plus strand (T>C on the coding strand, the complement: SYNE1 is on the minus strand). VCF-style: chr6-152224576-A-G. GRCh37 (hg19) VCF-style: chr6-152545711-A-G.
Other names: p.Met7076Thr; c.21227T>C, p.Met7076Thr (NM_033071.5); short protein forms M7076T, M7147T.
Identifiers: ClinVar variation 282284 (VCV000282284.34), dbSNP rs140962690, ClinGen allele CA4054161.
Genomic context (GRCh38, chr6:152,224,576, plus strand): 5'-TGCACAGCTTCTAAGGAGCCAGTCAGCAGACGGAATCGGGAAAGAGAGTATCTGGCCTCC[A>G]TGAGGTAACTGTTTATCTTGTCAAAGGCCACTTTGTGACTACTCCATTGGTCAAGCACTG-3'
Protein context (NP_892006.3, residues 7137-7157): VAFDKINSYL[Met7147Thr]EARYSLSRFR

ClinVar aggregate classification (germline): Conflicting classifications of pathogenicity. Review status: criteria provided, conflicting classifications (1 of 4 stars). 9 submissions from 8 submitters: Uncertain significance (7); Likely benign (1). 1 of the submissions does not count toward it. Last evaluated 2025-02-01.

Conditions:
SYNE1-related disorder. Also called: SYNE1-related disorders; SYNE1-related disease; SYNE1-related condition.
Autosomal recessive ataxia, Beauce type. Also called: ATAXIA, RECESSIVE, OF BEAUCE; Spinocerebellar ataxia, autosomal recessive 8; SYNE1-Related Autosomal Recessive Cerebellar Ataxia; SYNE1 Deficiency. Identifiers: Orphanet 88644, MedGen C1853116, MONDO:0012549, OMIM 610743.
Emery-Dreifuss muscular dystrophy 4, autosomal dominant (EDMD4). Also called: EMERY-DREIFUSS MUSCULAR DYSTROPHY 4 WITH VARIABLE FEATURES. Identifiers: Orphanet 261, MedGen C2751807, MONDO:0013071, OMIM 612998.

Allele frequency attached by ClinVar (database versions not stated): ExAC 0.00009; gnomAD exomes 0.00011 and 0.00016; gnomAD 0.00014 and 0.00015; 1000 Genomes Project 0.00020; TOPMed 0.00023; 1000 Genomes Project 30x 0.00031; ESP Exome Variant Server 0.00046.
gnomAD v4.1: 251 of 1,614,064 alleles (0.016%); highest among the groups gnomAD compares: Non-Finnish European, 0.02%; 1 homozygote.

Submissions (9):

CeGaT Center for Human Genetics Tuebingen
Classification: Uncertain significance. Last evaluated: 2025-02-01. Review status: criteria provided, single submitter. Criteria: CeGaT Center For Human Genetics Tuebingen Variant Classification Criteria Version 2. Collection method: clinical testing. Allele origin: germline. Affected: yes. Observed: 2 variant alleles.
Comment: SYNE1: PM2:Supporting, BP4

Revvity Omics, Revvity
Classification: Uncertain significance. Last evaluated: 2024-04-11. Review status: criteria provided, single submitter. Criteria: ACMG Guidelines, 2015. Collection method: clinical testing. Allele origin: germline.

Mayo Clinic Laboratories, Mayo Clinic
Classification: Uncertain significance. Last evaluated: 2024-01-22. Review status: criteria provided, single submitter. Criteria: ACMG Guidelines, 2015. Collection method: clinical testing. Allele origin: germline. Observed: 1 variant allele.
Comment: BP4

Labcorp Genetics (formerly Invitae), Labcorp
Classification: Uncertain significance for Emery-Dreifuss muscular dystrophy 4, autosomal dominant; Autosomal recessive ataxia, Beauce type. Last evaluated: 2022-10-17. Review status: criteria provided, single submitter. Criteria: Invitae Variant Classification Sherloc (09022015). Collection method: clinical testing. Allele origin: germline.
Comment: This sequence change replaces methionine, which is neutral and non-polar, with threonine, which is neutral and polar, at codon 7076 of the SYNE1 protein (p.Met7076Thr). This variant is present in population databases (rs140962690, gnomAD 0.02%). This missense change has been observed in individual(s) with clinical features of spinocerebellar ataxia (Invitae). ClinVar contains an entry for this variant (Variation ID: 282284). Algorithms developed to predict the effect of missense changes on protein structure and function output the following: SIFT: "Deleterious"; PolyPhen-2: "Benign"; Align-GVGD: "Class C65". The threonine amino acid residue is found in multiple mammalian species, which suggests that this missense change does not adversely affect protein function. In summary, the available evidence is currently insufficient to determine the role of this variant in disease. Therefore, it has been classified as a Variant of Uncertain Significance.

Athena Diagnostics
Classification: Uncertain significance. Last evaluated: 2020-09-03. Review status: criteria provided, single submitter. Criteria: Athena Diagnostics criteria. Collection method: clinical testing. Allele origin: unknown.

Illumina Laboratory Services, Illumina
Classification: Uncertain significance for Autosomal recessive ataxia, Beauce type. Last evaluated: 2018-01-13. Review status: criteria provided, single submitter. Criteria: ICSL Variant Classification Criteria 13 December 2019. Collection method: clinical testing. Allele origin: germline.

Illumina Laboratory Services, Illumina
Classification: Likely benign for Emery-Dreifuss muscular dystrophy 4, autosomal dominant. Last evaluated: 2018-01-13. Review status: criteria provided, single submitter. Criteria: ICSL Variant Classification Criteria 13 December 2019. Collection method: clinical testing. Allele origin: germline.
Comment: This variant was observed in the ICSL laboratory as part of a predisposition screen in an ostensibly healthy population. It had not been previously curated by ICSL or reported in the Human Gene Mutation Database (HGMD: prior to June 1st, 2018), and was therefore a candidate for classification through an automated scoring system. Utilizing variant allele frequency, disease prevalence and penetrance estimates, and inheritance mode, an automated score was calculated to assess if this variant is too frequent to cause the disease. Based on the score and internal cut-off values, a variant classified as likely benign is not then subjected to further curation. The score for this variant resulted in a classification of likely benign for this disease.

Eurofins Ntd Llc (ga)
Classification: Uncertain significance. Last evaluated: 2015-08-06. Review status: criteria provided, single submitter. Criteria: EGL Classification Definitions 2015. Collection method: clinical testing. Allele origin: germline. Observed: 1 variant allele, 1 heterozygote.

PreventionGenetics, part of Exact Sciences
Classification: Uncertain significance for SYNE1-related condition. Last evaluated: 2023-11-06. Review status: no assertion criteria provided. Collection method: clinical testing. Allele origin: germline. Not counted in ClinVar's aggregate classification.
Comment: The SYNE1 c.21227T>C variant is predicted to result in the amino acid substitution p.Met7076Thr. To our knowledge, this variant has not been reported in the literature. This variant is reported in 0.023% of alleles in individuals of European (Non-Finnish) descent in gnomAD. At this time, the clinical significance of this variant is uncertain due to the absence of conclusive functional and genetic evidence.